The following is an entry in ClinVar:

ClinVar aggregate classification (germline): Likely benign. Review status: criteria provided, multiple submitters, no conflicts (2 of 4 stars). 4 submissions from 4 submitters: Likely benign (4). Last evaluated 2025-07-30.

Conditions:
Cardiovascular phenotype. Identifiers: MedGen CN230736.
Glycogen storage disease, type II (IOPD). Also called: Glucosidase acid-1,4-alpha deficiency; Pompe Disease; POMPE DISEASE, INFANTILE-ONSET; GLYCOGEN STORAGE DISEASE II, INFANTILE-ONSET; ACID ALPHA-GLUCOSIDASE DEFICIENCY, INFANTILE-ONSET; GAA DEFICIENCY, INFANTILE-ONSET. Identifiers: Orphanet 365, MedGen C0017921, MONDO:0009290, OMIM 232300.

Allele frequency attached by ClinVar (database versions not stated): TOPMed 0.00002; 1000 Genomes Project 30x 0.00016; 1000 Genomes Project 0.00020.
gnomAD v4.1: 39 of 1,612,428 alleles (0.0024%); highest among the groups gnomAD compares: South Asian, 0.0077%; no homozygotes.

Submissions (4):

Labcorp Genetics (formerly Invitae), Labcorp
Classification: Likely benign for Glycogen storage disease, type II. Last evaluated: 2025-07-30. Review status: criteria provided, single submitter. Criteria: Invitae Variant Classification Sherloc (09022015). Collection method: clinical testing. Allele origin: germline.

Mayo Clinic Laboratories, Mayo Clinic
Classification: Likely benign. Last evaluated: 2025-04-29. Review status: criteria provided, single submitter. Criteria: ACMG Guidelines, 2015. Collection method: clinical testing. Allele origin: germline. Observed: 1 variant allele.
Comment: BP4, BP7

Ambry Genetics
Classification: Likely benign for Cardiovascular phenotype. Last evaluated: 2023-05-13. Review status: criteria provided, single submitter. Criteria: Ambry Variant Classification Scheme 2023. Collection method: clinical testing. Allele origin: germline.

GeneDx
Classification: Likely benign. Last evaluated: 2017-06-29. Review status: criteria provided, single submitter. Criteria: GeneDx Variant Classification (06012015). Collection method: clinical testing. Allele origin: germline. Affected: yes.
Comment: This variant is considered likely benign or benign based on one or more of the following criteria: it is a conservative change, it occurs at a poorly conserved position in the protein, it is predicted to be benign by multiple in silico algorithms, and/or has population frequency not consistent with disease.

NM_000152.5(GAA):c.2430C>T (p.Pro810=)

Gene: GAA (alpha glucosidase; plus strand). Cytogenetic location: 17q25.3.
Variant type: single nucleotide variant.
Coding change: c.2430C>T on transcript NM_000152.5 (MANE Select); coding-DNA position 2430, C replaced by T.
Protein change: p.Pro810=; no amino-acid change (proline 810 retained).
Molecular consequence: synonymous variant.
Genome position (GRCh38, 1-based): chr17:80,117,698, C>T. VCF-style: chr17-80117698-C-T. GRCh37 (hg19) VCF-style: chr17-78091497-C-T.
Other names: p.Pro810=; c.2430C>T (LRG_673t1); c.2430C>T, p.Pro810= (NM_001079803.3, NM_001079804.3).
Identifiers: ClinVar variation 456401 (VCV000456401.14), dbSNP rs554839058, ClinGen allele CA8815742.